The following is an entry in ClinVar:

NM_000051.4(ATM):c.9107_9108insTT (p.Gln3037fs)

Genes: ATM (ATM serine/threonine kinase; plus strand), C11orf65 (chromosome 11 open reading frame 65; minus strand). Cytogenetic location: 11q22.3.
Variant type: Insertion.
Coding change: c.9107_9108insTT on transcript NM_000051.4 (MANE Select); coding-DNA positions 9107 to 9108, TT inserted.
Protein change: p.Gln3037fs; shifts the reading frame from glutamine 3037.
Molecular consequence: frameshift variant. On other transcripts: intron variant (2).
Genome position: GRCh38 VCF-style: chr11-108365443-A-ATT. GRCh37 (hg19) VCF-style: chr11-108236170-A-ATT.
Other names: c.9107_9108insTT, p.Gln3037fs (NM_001351834.2); c.640+20476_640+20477insAA (NM_001330368.2); c.694+20476_694+20477insAA (NM_001351110.2); short protein forms Q3037fs.
Identifiers: ClinVar variation 4169055 (VCV004169055.1).

ClinVar aggregate classification (germline): Likely pathogenic (1 of 4 stars; one submission).

Conditions:
Hereditary cancer-predisposing syndrome. Also called: Neoplastic Syndromes, Hereditary; Tumor predisposition; Hereditary neoplastic syndrome; Hereditary Cancer Syndrome. Identifiers: Orphanet 140162, MedGen C0027672, MeSH D009386, MONDO:0015356.

Submission:

Ambry Genetics
Classification: Likely pathogenic for Hereditary cancer-predisposing syndrome. Last evaluated: 2025-07-03. Review status: criteria provided, single submitter. Criteria: Ambry Variant Classification Scheme 2023. Collection method: clinical testing. Allele origin: germline.
Comment: The c.9107_9108insTT variant, located in coding exon 62 of the ATM gene, results from an insertion of two nucleotides at positions 9107 to 9108, causing a translational frameshift with a predicted alternate stop codon (p.Q3037Yfs*5). This alteration occurs at the 3' terminus of theATM gene, is not expected to trigger nonsense-mediated mRNA decay, and impacts the last 20 amino acids of the protein. However, premature stop codons are typically deleterious in nature and the impacted region is critical for protein function (Ambry internal data). This variant is considered to be rare based on population cohorts in the Genome Aggregation Database (gnomAD). Based on the majority of available evidence to date, this variant is likely to be pathogenic.